The following is an entry in ClinVar:

NM_000440.3(PDE6A):c.43T>A (p.Ser15Thr)

Gene: PDE6A (phosphodiesterase 6A; minus strand). Cytogenetic location: 5q32.
Variant type: single nucleotide variant.
Coding change: c.43T>A on transcript NM_000440.3 (MANE Select); coding-DNA position 43, T replaced by A.
Protein change: p.Ser15Thr; replaces serine 15 with threonine.
Molecular consequence: missense variant.
Genome position (GRCh38, 1-based): chr5:149,944,631, A>T on the plus strand (T>A on the coding strand, the complement: PDE6A is on the minus strand). VCF-style: chr5-149944631-A-T. GRCh37 (hg19) VCF-style: chr5-149324194-A-T.
Other names: c.43T>A (NM_000440.2); short protein forms S15T.
Identifiers: ClinVar variation 1517480 (VCV001517480.8), dbSNP rs1754417825, ClinGen allele CA361701569.

ClinVar aggregate classification (germline): Uncertain significance. Review status: criteria provided, multiple submitters, no conflicts (2 of 4 stars). 3 submissions from 3 submitters: Uncertain significance (2). 1 of the submissions does not count toward it. Last evaluated 2023-05-17.

Conditions:
Inborn genetic diseases. Identifiers: MedGen C0950123, MeSH D030342.
Retinal dystrophy. Also called: Inherited retinal dystrophy. Identifiers: Orphanet 71862, MedGen C0854723, MeSH D058499, MONDO:0019118, HP:0000556.

Allele frequency attached by ClinVar (database versions not stated): TOPMed below 0.00001; gnomAD 0.00001; gnomAD exomes 0.00001.

Submissions (3):

Ambry Genetics
Classification: Uncertain significance for Inborn genetic diseases. Last evaluated: 2023-05-17. Review status: criteria provided, single submitter. Criteria: Ambry Variant Classification Scheme 2023. Collection method: clinical testing. Allele origin: germline.

Labcorp Genetics (formerly Invitae), Labcorp
Classification: Uncertain significance. Last evaluated: 2022-08-23. Review status: criteria provided, single submitter. Criteria: Invitae Variant Classification Sherloc (09022015). Collection method: clinical testing. Allele origin: germline.
Comment: This sequence change replaces serine, which is neutral and polar, with threonine, which is neutral and polar, at codon 15 of the PDE6A protein (p.Ser15Thr). This variant is not present in population databases (gnomAD no frequency). This variant has not been reported in the literature in individuals affected with PDE6A-related conditions. ClinVar contains an entry for this variant (Variation ID: 1517480). Algorithms developed to predict the effect of missense changes on protein structure and function are either unavailable or do not agree on the potential impact of this missense change (SIFT: "Deleterious"; PolyPhen-2: "Benign"; Align-GVGD: "Class C0"). In summary, the available evidence is currently insufficient to determine the role of this variant in disease. Therefore, it has been classified as a Variant of Uncertain Significance.

Institute of Human Genetics, Univ. Regensburg, Univ. Regensburg
Classification: Uncertain significance for Retinal dystrophy. Last evaluated: 2022-01-01. Review status: no assertion criteria provided. Criteria: ACMG Guidelines, 2015. Collection method: clinical testing. Allele origin: germline. Affected: yes. Not counted in ClinVar's aggregate classification.